The following is an entry in ClinVar:

ClinVar aggregate classification (germline): Uncertain significance. Review status: criteria provided, multiple submitters, no conflicts (2 of 4 stars). 4 submissions from 4 submitters: Uncertain significance (4). Last evaluated 2024-12-15.

Conditions:
Neuropathy, hereditary sensory and autonomic, type 2A (HSAN2A). Also called: MORVAN DISEASE; NEUROPATHY, CONGENITAL SENSORY; NEUROPATHY, HEREDITARY SENSORY RADICULAR, AUTOSOMAL RECESSIVE; NEUROPATHY, HEREDITARY SENSORY, TYPE IIA; NEUROPATHY, PROGRESSIVE SENSORY, OF CHILDREN; WNK1-Related HSAN2 (HSAN2A). Identifiers: Orphanet 970, MedGen C2752089, MONDO:0024309, OMIM 201300.
Pseudohypoaldosteronism type 2C (PHA2C). Also called: Pseudohypoaldosteronism Type IIC. Identifiers: Orphanet 757, Orphanet 88940, MedGen C1840391, MONDO:0013778, OMIM 614492.
Inborn genetic diseases. Identifiers: MedGen C0950123, MeSH D030342.

Submissions (4):

Labcorp Genetics (formerly Invitae), Labcorp
Classification: Uncertain significance for Neuropathy, hereditary sensory and autonomic, type 2A; Pseudohypoaldosteronism type 2C. Last evaluated: 2024-12-15. Review status: criteria provided, single submitter. Criteria: Invitae Variant Classification Sherloc (09022015). Collection method: clinical testing. Allele origin: germline.
Comment: This variant, c.5108_5119del, results in the deletion of 4 amino acid(s) of the WNK1 protein (p.Val1703_Ser1706del), but otherwise preserves the integrity of the reading frame. This variant is present in population databases (rs753602469, gnomAD 0.02%). This variant has not been reported in the literature in individuals affected with WNK1-related conditions. ClinVar contains an entry for this variant (Variation ID: 1041324). Experimental studies and prediction algorithms are not available or were not evaluated, and the functional significance of this variant is currently unknown. In summary, the available evidence is currently insufficient to determine the role of this variant in disease. Therefore, it has been classified as a Variant of Uncertain Significance.

Fulgent Genetics
Classification: Uncertain significance for Neuropathy, hereditary sensory and autonomic, type 2A; Pseudohypoaldosteronism type 2C. Last evaluated: 2024-03-01. Review status: criteria provided, single submitter. Criteria: ACMG Guidelines, 2015. Collection method: clinical testing. Allele origin: germline.

Mayo Clinic Laboratories, Mayo Clinic
Classification: Uncertain significance. Last evaluated: 2020-12-23. Review status: criteria provided, single submitter. Criteria: ACMG Guidelines, 2015. Collection method: clinical testing. Allele origin: germline. Observed: 1 variant allele.

Ambry Genetics
Classification: Uncertain significance for Inborn genetic diseases. Last evaluated: 2019-12-29. Review status: criteria provided, single submitter. Criteria: Ambry Variant Classification Scheme 2023. Collection method: clinical testing. Allele origin: germline.
Comment: The c.5108_5119del12 variant (also known as p.V1703_S1706del) is located in coding exon 19 of the WNK1 gene. This variant results from an in-frame deletion of 12 nucleotides at positions 5108 to 5119. This results in the in-frame deletion of 4 amino acids between codons 1703 and 1706. This amino acid position is poorly conserved in available vertebrate species. In addition, this alteration is predicted to be deleterious by in silico analysis (Choi Y et al. PLoS ONE. 2012; 7(10):e46688). Since supporting evidence is limited at this time, the clinical significance of this alteration remains unclear.

NM_018979.4(WNK1):c.4352_4363del (p.Val1451_Ser1454del)

Gene: WNK1 (WNK lysine deficient protein kinase 1; plus strand). Cytogenetic location: 12p13.33.
Variant type: Deletion.
Coding change: c.4352_4363del on transcript NM_018979.4 (MANE Select); coding-DNA positions 4352 to 4363, 12 bases deleted (TAACAGTTTCAG).
Protein change: p.Val1451_Ser1454del.
Molecular consequence: inframe deletion.
Genome position (GRCh38, 1-based): chr12:885,156-885,167, TAACAGTTTCAG deleted; deleting any 12 consecutive bases within chr12:885,151-885,167 gives the same sequence; the c. name uses the placement nearest the transcript's 3' end. VCF-style (leftmost placement, unchanged base first): chr12-885150-CTTCAGTAACAGT-C. GRCh37 (hg19) VCF-style: chr12-994316-CTTCAGTAACAGT-C.
Other names: c.5132_5143del, p.Val1711_Ser1714del (NM_001184985.2); c.3611_3622del, p.Val1204_Ser1207del (NM_014823.3); c.5108_5119del, p.Val1703_Ser1706del (NM_213655.5).
Identifiers: ClinVar variation 1041324 (VCV001041324.16), dbSNP rs753602469, ClinGen allele CA6382959.